The following is an entry in ClinVar:

NM_000257.4(MYH7):c.1934_1937dup (p.Val647fs)

Gene: MYH7 (myosin heavy chain 7; minus strand). Cytogenetic location: 14q11.2.
Variant type: Duplication.
Coding change: c.1934_1937dup on transcript NM_000257.4 (MANE Select); coding-DNA positions 1934 to 1937, 4 bases duplicated (AGAC; older notation c.1934_1937dupAGAC).
Protein change: p.Val647fs; shifts the reading frame from valine 647.
Molecular consequence: frameshift variant.
Genome position (GRCh38, 1-based): chr14:23,427,259-23,427,262, GTCT duplicated on the plus strand (AGAC on the coding strand, the reverse complement: MYH7 is on the minus strand); duplicating any 4 consecutive bases within chr14:23,427,259-23,427,263 gives the same sequence; the c. name uses the placement nearest the transcript's 3' end. VCF-style (leftmost placement, unchanged base first): chr14-23427258-A-AGTCT. GRCh37 (hg19) VCF-style: chr14-23896467-A-AGTCT.
Other names: c.1934_1937dup, p.Val647fs (NM_001407004.1); short protein forms V647fs.
Identifiers: ClinVar variation 2864092 (VCV002864092.3), dbSNP rs2502294789, ClinGen allele CA2739271907.

ClinVar aggregate classification (germline): Uncertain significance (1 of 4 stars; one submission).

Conditions:
Hypertrophic cardiomyopathy. Also called: HYPERTROPHIC MYOCARDIOPATHY. Identifiers: Orphanet 217569, MedGen C0007194, MeSH D002312, MONDO:0005045, HP:0001639.

Submission:

Labcorp Genetics (formerly Invitae), Labcorp
Classification: Uncertain significance for Hypertrophic cardiomyopathy. Last evaluated: 2023-05-13. Review status: criteria provided, single submitter. Criteria: Invitae Variant Classification Sherloc (09022015). Collection method: clinical testing. Allele origin: germline.
Comment: This sequence change creates a premature translational stop signal (p.Val647Aspfs*31) in the MYH7 gene. It is expected to result in an absent or disrupted protein product. However, the current clinical and genetic evidence is not sufficient to establish whether loss-of-function variants in MYH7 cause disease. In summary, the available evidence is currently insufficient to determine the role of this variant in disease. Therefore, it has been classified as a Variant of Uncertain Significance. This variant has not been reported in the literature in individuals affected with MYH7-related conditions. This variant is not present in population databases (gnomAD no frequency).